The following is an entry in ClinVar:

NM_001482.3(GATM):c.531T>G (p.Asn177Lys)

Gene: GATM (glycine amidinotransferase; minus strand). Cytogenetic location: 15q21.1.
Variant type: single nucleotide variant.
Coding change: c.531T>G on transcript NM_001482.3 (MANE Select); coding-DNA position 531, T replaced by G.
Protein change: p.Asn177Lys; replaces asparagine 177 with lysine.
Molecular consequence: missense variant.
Genome position (GRCh38, 1-based): chr15:45,368,214, A>C on the plus strand (T>G on the coding strand, the complement: GATM is on the minus strand). VCF-style: chr15-45368214-A-C. GRCh37 (hg19) VCF-style: chr15-45660412-A-C.
Other names: c.144T>G, p.Asn48Lys (NM_001321015.2); short protein forms N177K, N48K.
Identifiers: ClinVar variation 4709995 (VCV004709995.1).
Genomic context (GRCh38, chr15:45,368,214, plus strand): 5'-CCTGTACGCTCGGTACTCAAAGAAGCGTGAACGCCATGCCATGGGAGCCTCGATAATCTC[A>C]TTGCCCACAACTATCAGGATGTCTCGAGGCATTGCACTGTATAAACCTGTCAGACCAAAA-3'
Protein context (NP_001473.1, residues 167-187): MPRDILIVVG[Asn177Lys]EIIEAPMAWR

ClinVar aggregate classification (germline): Uncertain significance (1 of 4 stars; one submission).

Conditions:
Arginine:glycine amidinotransferase deficiency (CCDS3). Also called: L-Arginine:Glycine Amidinotransferase (AGAT) Deficiency; AGAT deficiency; L-Arginine:Glycine Amidinotransferase Deficiency; Creatine deficiency syndrome due to AGAT deficiency; GATM deficiency; Cerebral creatine deficiency syndrome 3. Identifiers: Orphanet 35704, MedGen C2675179, MONDO:0012996, OMIM 612718.

Submission:

Labcorp Genetics (formerly Invitae), Labcorp
Classification: Uncertain significance for Arginine:glycine amidinotransferase deficiency. Last evaluated: 2026-02-03. Review status: criteria provided, single submitter. Criteria: Invitae Variant Classification Sherloc (09022015). Collection method: clinical testing. Allele origin: germline.
Comment: This sequence change replaces asparagine, which is neutral and polar, with lysine, which is basic and polar, at codon 177 of the GATM protein (p.Asn177Lys). This variant is not present in population databases (gnomAD no frequency). This variant has not been reported in the literature in individuals affected with GATM-related conditions. Invitae Evidence Modeling of protein sequence and biophysical properties (such as structural, functional, and spatial information, amino acid conservation, physicochemical variation, residue mobility, and thermodynamic stability) indicates that this missense variant is not expected to disrupt GATM protein function with a negative predictive value of 95%. In summary, the available evidence is currently insufficient to determine the role of this variant in disease. Therefore, it has been classified as a Variant of Uncertain Significance.